The following is an entry in ClinVar:

NM_013386.5(SLC25A24):c.1250-1G>A

Gene: SLC25A24 (solute carrier family 25 member 24; minus strand). Cytogenetic location: 1p13.3.
Variant type: single nucleotide variant.
Coding change: c.1250-1G>A on transcript NM_013386.5 (MANE Select); the canonical splice acceptor site of the intron before coding-DNA position 1250, G replaced by A.
Molecular consequence: splice acceptor variant.
Genome position (GRCh38, 1-based): chr1:108,136,838, C>T on the plus strand (G>A on the coding strand, the complement: SLC25A24 is on the minus strand). VCF-style: chr1-108136838-C-T. GRCh37 (hg19) VCF-style: chr1-108679460-C-T.
Other names: c.1193-1G>A (NM_213651.3).
Identifiers: ClinVar variation 1511499 (VCV001511499.6), dbSNP rs1245516372, ClinGen allele CA341185825.

ClinVar aggregate classification (germline): Uncertain significance (1 of 4 stars; one submission).

Allele frequency attached by ClinVar (database versions not stated): gnomAD 0.00001.
gnomAD v4.1: 2 of 1,602,214 alleles (0.00012%); highest among the groups gnomAD compares: Admixed American, 0.0018%; no homozygotes.

Submission:

Labcorp Genetics (formerly Invitae), Labcorp
Classification: Uncertain significance. Last evaluated: 2022-12-06. Review status: criteria provided, single submitter. Criteria: Invitae Variant Classification Sherloc (09022015). Collection method: clinical testing. Allele origin: germline.
Comment: This sequence change falls in intron 9 of the SLC25A24 gene. It does not directly change the encoded amino acid sequence of the SLC25A24 protein. It affects a nucleotide within the consensus splice site. This variant is not present in population databases (gnomAD no frequency). This variant has not been reported in the literature in individuals affected with SLC25A24-related conditions. ClinVar contains an entry for this variant (Variation ID: 1511499). Variants that disrupt the consensus splice site are a relatively common cause of aberrant splicing (PMID: 17576681, 9536098). Algorithms developed to predict the effect of sequence changes on RNA splicing suggest that this variant may disrupt the consensus splice site. In summary, the available evidence is currently insufficient to determine the role of this variant in disease. Therefore, it has been classified as a Variant of Uncertain Significance.

Literature cited by the submitters: PubMed 17576681; PubMed 9536098.